The following is an entry in ClinVar:

NM_006567.5(FARS2):c.1A>G (p.Met1Val)

Genes: FARS2 (phenylalanyl-tRNA synthetase 2, mitochondrial; plus strand), LOC126859565 (CDK7 strongly-dependent group 2 enhancer GRCh37_chr6:5368745-5369944; plus strand). Cytogenetic location: 6p25.1.
Variant type: single nucleotide variant.
Coding change: c.1A>G on transcript NM_006567.5 (MANE Select); coding-DNA position 1, A replaced by G.
Protein change: p.Met1Val; changes the start codon (methionine 1).
Molecular consequence: missense variant, initiator codon variant. On other transcripts: intron variant (2).
Genome position (GRCh38, 1-based): chr6:5,368,571, A>G. VCF-style: chr6-5368571-A-G. GRCh37 (hg19) VCF-style: chr6-5368804-A-G.
Other names: c.1A>G, p.Met1Val (NM_001318872.2, NM_001374875.1, NM_001374876.1 and 5 more transcripts); c.-340-28062A>G (NM_001375260.1); c.-84-35971A>G (NM_001375259.1); short protein forms M1V.
Identifiers: ClinVar variation 3666334 (VCV003666334.2).
Genomic context (GRCh38, chr6:5,368,571, plus strand): 5'-TGACACCTGACTTGTGCTTTGCCTGTGTGCTCTTTCCAGAACCTGTGAGAAGTTTCTACA[A>G]TGGTGGGCTCAGCTCTCAGGAGAGGTGCCCATGCATATGTCTACCTGGTGAGTAAGGCCA-3'
Protein context (NP_006558.1, residues 1-11): [Met1Val]VGSALRRGAH

ClinVar aggregate classification (germline): Pathogenic (1 of 4 stars; one submission).

Conditions:
Combined oxidative phosphorylation defect type 14. Also called: Combined oxidative phosphorylation deficiency 14. Identifiers: Orphanet 319519, MedGen C4755312, MONDO:0013986, OMIM 614946.

Submission:

Labcorp Genetics (formerly Invitae), Labcorp
Classification: Pathogenic for Combined oxidative phosphorylation defect type 14. Last evaluated: 2024-06-13. Review status: criteria provided, single submitter. Criteria: Invitae Variant Classification Sherloc (09022015). Collection method: clinical testing. Allele origin: germline.
Comment: This sequence change affects the initiator methionine of the FARS2 mRNA. The next in-frame methionine is located at codon 151. This variant is present in population databases (no rsID available, gnomAD 0.002%). This variant has not been reported in the literature in individuals affected with FARS2-related conditions. This variant disrupts a region of the FARS2 protein in which other variant(s) (p.Tyr144Cys) have been determined to be pathogenic (PMID: 22499341, 22833457, 30177229). This suggests that this is a clinically significant region of the protein, and that variants that disrupt it are likely to be disease-causing. For these reasons, this variant has been classified as Pathogenic.

Literature cited by the submitters: PubMed 22499341; PubMed 22833457; PubMed 30177229.